The following is an entry in ClinVar:

ClinVar aggregate classification (germline): Likely benign. Review status: criteria provided, multiple submitters, no conflicts (2 of 4 stars). 2 submissions from 2 submitters: Likely benign (2). Last evaluated 2025-12-23.

Conditions:
Glycogen storage disease IXa1. Also called: GLYCOGEN STORAGE DISEASE VIII; GSD VIII; Glycogen storage disease 8; LIVER GLYCOGENOSIS, X-LINKED, TYPE I. Identifiers: Orphanet 264580, MedGen C3694531, MONDO:0010598, OMIM 306000.

Allele frequency attached by ClinVar (database versions not stated): gnomAD exomes 0.00009 and 0.00015; gnomAD 0.00011; ExAC 0.00013; TOPMed 0.00022; ESP Exome Variant Server 0.00028.
gnomAD v4.1: 184 of 1,208,586 alleles (0.015%); highest among the groups gnomAD compares: Non-Finnish European, 0.018%; no homozygotes.

Submissions (2):

Labcorp Genetics (formerly Invitae), Labcorp
Classification: Likely benign for Glycogen storage disease IXa1. Last evaluated: 2025-12-23. Review status: criteria provided, single submitter. Criteria: Invitae Variant Classification Sherloc (09022015). Collection method: clinical testing. Allele origin: germline.

GeneDx
Classification: Likely benign. Last evaluated: 2016-08-18. Review status: criteria provided, single submitter. Criteria: GeneDx Variant Classification (06012015). Collection method: clinical testing. Allele origin: germline. Affected: yes.
Comment: This variant is considered likely benign or benign based on one or more of the following criteria: it is a conservative change, it occurs at a poorly conserved position in the protein, it is predicted to be benign by multiple in silico algorithms, and/or has population frequency not consistent with disease.

NM_000292.3(PHKA2):c.2670C>T (p.Leu890=)

Gene: PHKA2 (phosphorylase kinase regulatory subunit alpha 2; minus strand). Cytogenetic location: Xp22.13.
Variant type: single nucleotide variant.
Coding change: c.2670C>T on transcript NM_000292.3 (MANE Select); coding-DNA position 2670, C replaced by T.
Protein change: p.Leu890=; no amino-acid change (leucine 890 retained).
Molecular consequence: synonymous variant.
Genome position (GRCh38, 1-based): chrX:18,906,742, G>A on the plus strand (C>T on the coding strand, the complement: PHKA2 is on the minus strand). VCF-style: chrX-18906742-G-A. GRCh37 (hg19) VCF-style: chrX-18924860-G-A.
Identifiers: ClinVar variation 388651 (VCV000388651.5), dbSNP rs143721284, ClinGen allele CA10361572.